The following is an entry in ClinVar:

NM_004360.5(CDH1):c.602C>T (p.Pro201Leu)

Gene: CDH1 (cadherin 1; plus strand). Cytogenetic location: 16q22.1.
Variant type: single nucleotide variant.
Coding change: c.602C>T on transcript NM_004360.5 (MANE Select); coding-DNA position 602, C replaced by T.
Protein change: p.Pro201Leu; replaces proline 201 with leucine.
Molecular consequence: missense variant. On other transcripts: 5 prime UTR variant (2).
Genome position (GRCh38, 1-based): chr16:68,808,763, C>T. VCF-style: chr16-68808763-C-T. GRCh37 (hg19) VCF-style: chr16-68842666-C-T.
Other names: c.602C>T, p.Pro201Leu (NM_001317184.2); c.-1014C>T (NM_001317185.2); c.-1218C>T (NM_001317186.2); short protein forms P201L.
Identifiers: ClinVar variation 1005697 (VCV001005697.12), dbSNP rs146777134, ClinGen allele CA396457994.

ClinVar aggregate classification (germline): Uncertain significance. Review status: criteria provided, multiple submitters, no conflicts (2 of 4 stars). 2 submissions from 2 submitters: Uncertain significance (2). Last evaluated 2025-04-21.

Conditions:
Hereditary diffuse gastric adenocarcinoma (HDGC). Also called: DIFFUSE GASTRIC AND LOBULAR BREAST CANCER SYNDROME. Identifiers: Orphanet 26106, MedGen C1708349, MONDO:0007648, OMIM 137215.
Hereditary cancer-predisposing syndrome. Also called: Hereditary neoplastic syndrome; Neoplastic Syndromes, Hereditary; Tumor predisposition; Hereditary Cancer Syndrome. Identifiers: Orphanet 140162, MedGen C0027672, MeSH D009386, MONDO:0015356.

Submissions (2):

Labcorp Genetics (formerly Invitae), Labcorp
Classification: Uncertain significance for Hereditary diffuse gastric adenocarcinoma. Last evaluated: 2025-04-21. Review status: criteria provided, single submitter. Criteria: Invitae Variant Classification Sherloc (09022015). Collection method: clinical testing. Allele origin: germline.
Comment: This sequence change replaces proline, which is neutral and non-polar, with leucine, which is neutral and non-polar, at codon 201 of the CDH1 protein (p.Pro201Leu). This variant is not present in population databases (gnomAD no frequency). This variant has not been reported in the literature in individuals affected with CDH1-related conditions. ClinVar contains an entry for this variant (Variation ID: 1005697). An algorithm developed to predict the effect of missense changes on protein structure and function (PolyPhen-2) suggests that this variant is likely to be disruptive. In summary, the available evidence is currently insufficient to determine the role of this variant in disease. Therefore, it has been classified as a Variant of Uncertain Significance.

Ambry Genetics
Classification: Uncertain significance for Hereditary cancer-predisposing syndrome. Last evaluated: 2025-02-28. Review status: criteria provided, single submitter. Criteria: Ambry Variant Classification Scheme 2023. Collection method: clinical testing. Allele origin: germline.
Comment: The p.P201L variant (also known as c.602C>T), located in coding exon 5 of the CDH1 gene, results from a C to T substitution at nucleotide position 602. The proline at codon 201 is replaced by leucine, an amino acid with similar properties. This amino acid position is highly conserved in available vertebrate species. In addition, this alteration is predicted to be deleterious by in silico analysis. Based on the available evidence, the clinical significance of this variant remains unclear.